The following is an entry in ClinVar:

ClinVar aggregate classification (germline): Pathogenic/Likely pathogenic. Review status: criteria provided, multiple submitters, no conflicts (2 of 4 stars). 3 submissions from 3 submitters: Pathogenic (1); Likely pathogenic (2). Last evaluated 2024-06-22.

Conditions:
Junctional epidermolysis bullosa with pyloric atresia. Also called: APLASIA CUTIS CONGENITA WITH GASTROINTESTINAL ATRESIA; CARMI SYNDROME; EB-PA-ACC; ITGB4-Related Epidermolysis Bullosa with Pyloric Atresia; Epidermolysis bullosa, junctional, with pyloric atresia and aplasia cutis congenita; Epidermolysis bullosa junctionalis with pyloric atresia. Identifiers: Orphanet 79403, MedGen C5676875, MONDO:0009183, OMIM 226730.
Epidermolysis bullosa, junctional 5A, intermediate. Also called: EPIDERMOLYSIS BULLOSA, JUNCTIONAL 5A, GENERALIZED INTERMEDIATE; EPIDERMOLYSIS BULLOSA, JUNCTIONAL 5A, NON-HERLITZ TYPE. Identifiers: MedGen C5676956, MONDO:0030768, OMIM 619816.
ITGB4-related disorder. Also called: ITGB4-related condition.

Allele frequency attached by ClinVar (database versions not stated): gnomAD 0.00001; TOPMed 0.00001; gnomAD exomes below 0.00001.
gnomAD v4.1: 8 of 1,613,938 alleles (0.0005%); highest among the groups gnomAD compares: African/African-American, 0.0027%; no homozygotes.

Submissions (3):

Fulgent Genetics
Classification: Likely pathogenic for Junctional epidermolysis bullosa with pyloric atresia; Epidermolysis bullosa, junctional 5A, intermediate. Last evaluated: 2024-06-22. Review status: criteria provided, single submitter. Criteria: ACMG Guidelines, 2015. Collection method: clinical testing. Allele origin: germline.

Blueprint Genetics
Classification: Likely pathogenic for ITGB4-related disorders. Last evaluated: 2024-04-30. Review status: criteria provided, single submitter. Criteria: ACMG Guidelines, 2015. Collection method: clinical testing. Allele origin: germline. Affected: yes. Observed: 4 variant alleles.

Labcorp Genetics (formerly Invitae), Labcorp
Classification: Pathogenic. Last evaluated: 2024-02-03. Review status: criteria provided, single submitter. Criteria: Invitae Variant Classification Sherloc (09022015). Collection method: clinical testing. Allele origin: germline.
Comment: This sequence change affects codon 620 of the ITGB4 mRNA. It is a 'silent' change, meaning that it does not change the encoded amino acid sequence of the ITGB4 protein. This variant also falls at the last nucleotide of exon 15, which is part of the consensus splice site for this exon. This variant is present in population databases (no rsID available, gnomAD 0.006%). This variant has been observed in individual(s) with clinical features of epidermolysis bullosa (PMID: 36458141). In at least one individual the data is consistent with being in trans (on the opposite chromosome) from a pathogenic variant. It has also been observed to segregate with disease in related individuals. Variants that disrupt the consensus splice site are a relatively common cause of aberrant splicing (PMID: 17576681, 9536098). Studies have shown that this variant is associated with altered splicing resulting in multiple RNA products (PMID: 36458141). For these reasons, this variant has been classified as Pathogenic.

Literature cited by the submitters: PubMed 36458141 (cited by Labcorp Genetics (formerly Invitae), Labcorp); PubMed 17576681 (cited by Labcorp Genetics (formerly Invitae), Labcorp); PubMed 9536098 (cited by Labcorp Genetics (formerly Invitae), Labcorp).

NM_000213.5(ITGB4):c.1860G>A (p.Ala620=)

Gene: ITGB4 (integrin subunit beta 4; plus strand). Cytogenetic location: 17q25.1.
Variant type: single nucleotide variant.
Coding change: c.1860G>A on transcript NM_000213.5 (MANE Select); coding-DNA position 1860, G replaced by A.
Protein change: p.Ala620=; no amino-acid change (alanine 620 retained).
Molecular consequence: synonymous variant.
Genome position (GRCh38, 1-based): chr17:75,736,386, G>A. VCF-style: chr17-75736386-G-A. GRCh37 (hg19) VCF-style: chr17-73732467-G-A.
Other names: c.1860G>A, p.Ala620= (NM_001005619.2, NM_001005731.3, NM_001321123.2).
Identifiers: ClinVar variation 2869842 (VCV002869842.5), dbSNP rs1002936688, ClinGen allele CA294065615.